The following is an entry in ClinVar:

ClinVar aggregate classification (germline): Uncertain significance (1 of 4 stars; one submission).

Conditions:
Nephropathic cystinosis (CTNS). Also called: CYSTINOSIN, DEFECT OF; LYSOSOMAL CYSTINE TRANSPORT PROTEIN, DEFECT OF; Abderhalden Lignac Kaufmann disease; Abderhalden-Kaufmann-Lignac syndrome. Identifiers: Orphanet 213, Orphanet 411629, MedGen C2931187, MONDO:0100151, OMIM 219800.

Submission:

Cellular and Molecular Research Center, Cellular and Molecular Medicine Research Institute,, Urmia University of Medical Sciences
Classification: Uncertain significance for Nephropathic cystinosis. Last evaluated: 2023-09-02. Review status: criteria provided, single submitter. Criteria: ACMG Guidelines, 2015. Collection method: clinical testing. Allele origin: inherited. Inheritance: Autosomal recessive inheritance. Affected: yes. Observed: 1 variant allele, 1 compound heterozygote.
Comment: In-Silico PredictorsPP3: Pathogenic Moderate (VarSome)

NM_004937.3(CTNS):c.916T>A (p.Phe306Ile)

Gene: CTNS (cystinosin, lysosomal cystine transporter; plus strand). Cytogenetic location: 17p13.2.
Variant type: single nucleotide variant.
Coding change: c.916T>A on transcript NM_004937.3 (MANE Select); coding-DNA position 916, T replaced by A.
Protein change: p.Phe306Ile; replaces phenylalanine 306 with isoleucine.
Molecular consequence: missense variant.
Genome position (GRCh38, 1-based): chr17:3,659,921, T>A. VCF-style: chr17-3659921-T-A. GRCh37 (hg19) VCF-style: chr17-3563215-T-A.
Other names: p.Phe306Ile; c.916T>A, p.Phe306Ile (NM_001031681.3, NM_001374492.1); c.475T>A, p.Phe159Ile (NM_001374493.1, NM_001374494.1, NM_001374495.1 and 1 more transcripts); short protein forms F159I, F306I.
Identifiers: ClinVar variation 2579164 (VCV002579164.3), dbSNP rs912184981, ClinGen allele CA397693165.